The following is an entry in ClinVar:

ClinVar aggregate classification (germline): Pathogenic (1 of 4 stars; one submission).

Submission:

Labcorp Genetics (formerly Invitae), Labcorp
Classification: Pathogenic. Last evaluated: 2023-02-08. Review status: criteria provided, single submitter. Criteria: Invitae Variant Classification Sherloc (09022015). Collection method: clinical testing. Allele origin: unknown.
Comment: This variant is a gross deletion of the genomic region encompassing exon(s) 48 of the NBAS gene. This deletion is out-of-frame, and is expected to create a premature termination codon and result in an absent or disrupted protein product. Loss-of-function variants in NBAS are known to be pathogenic (PMID: 26073778, 26541327, 27789416, 28031453). A similar copy number variant has been observed in individual(s) with clinical features of NBAS-related conditions (PMID: 31761904). For these reasons, this variant has been classified as Pathogenic.

Literature cited by the submitters: PubMed 26073778; PubMed 26541327; PubMed 27789416; PubMed 28031453; PubMed 31761904.

NC_000002.11:g.(?_15358877)_(15359112_?)del

Gene: NBAS (NBAS subunit of NRZ tethering complex; minus strand). Cytogenetic location: 2p24.3.
Variant type: Deletion.
Identifiers: ClinVar variation 3247553 (VCV003247553.1).